The following is an entry in ClinVar:

NM_006514.4(SCN10A):c.1196C>T (p.Ala399Val)

Gene: SCN10A (sodium voltage-gated channel alpha subunit 10; minus strand). Cytogenetic location: 3p22.2.
Variant type: single nucleotide variant.
Coding change: c.1196C>T on transcript NM_006514.4 (MANE Select); coding-DNA position 1196, C replaced by T.
Protein change: p.Ala399Val; replaces alanine 399 with valine.
Molecular consequence: missense variant.
Genome position (GRCh38, 1-based): chr3:38,756,768, G>A on the plus strand (C>T on the coding strand, the complement: SCN10A is on the minus strand). VCF-style: chr3-38756768-G-A. GRCh37 (hg19) VCF-style: chr3-38798259-G-A.
Other names: c.1196C>T, p.Ala399Val (NM_001293306.2, NM_001293307.2); short protein forms A399V.
Identifiers: ClinVar variation 857220 (VCV000857220.9), dbSNP rs371834396, ClinGen allele CA72991200.
Genomic context (GRCh38, chr3:38,756,768, plus strand): 5'-TGGAACTTCTTCTCCTTTGCTTCAATTTCATCAGTGGTTGCCTGGTTCTGCTCCTCATAC[G>A]CCATGGTGACTACAGCCAAGATCAAGTTGACCAGGTAGAAAGATCCCAGGAAGATTACGA-3'
Protein context (NP_006505.4, residues 389-409): VNLILAVVTM[Ala399Val]YEEQNQATTD

ClinVar aggregate classification (germline): Uncertain significance. Review status: criteria provided, multiple submitters, no conflicts (2 of 4 stars). 3 submissions from 3 submitters: Uncertain significance (3). Last evaluated 2025-07-06.

Conditions:
Cardiovascular phenotype. Identifiers: MedGen CN230736.
Episodic pain syndrome, familial, 2 (FEPS2). Identifiers: Orphanet 306577, MedGen C3809893, MONDO:0014246, OMIM 615551.
Brugada syndrome. Also called: Sudden Unexplained Death Syndrome; Sudden Unexplained Nocturnal Death Syndrome (SUNDS); Sudden unexpected nocturnal death syndrome; Sudden unexplained nocturnal death syndrome. Identifiers: Orphanet 130, MedGen C1142166, MONDO:0015263.

Allele frequency attached by ClinVar (database versions not stated): gnomAD exomes 0.00001 and 0.00002; TOPMed 0.00002; gnomAD 0.00003; ESP Exome Variant Server 0.00008.
gnomAD v4.1: 32 of 1,613,908 alleles (0.002%); highest among the groups gnomAD compares: Non-Finnish European, 0.0027%; no homozygotes.

Submissions (3):

Labcorp Genetics (formerly Invitae), Labcorp
Classification: Uncertain significance for Brugada syndrome. Last evaluated: 2025-07-06. Review status: criteria provided, single submitter. Criteria: Invitae Variant Classification Sherloc (09022015). Collection method: clinical testing. Allele origin: germline.
Comment: This sequence change replaces alanine, which is neutral and non-polar, with valine, which is neutral and non-polar, at codon 399 of the SCN10A protein (p.Ala399Val). This variant is present in population databases (rs371834396, gnomAD 0.002%). This variant has not been reported in the literature in individuals affected with SCN10A-related conditions. ClinVar contains an entry for this variant (Variation ID: 857220). Invitae Evidence Modeling of protein sequence and biophysical properties (such as structural, functional, and spatial information, amino acid conservation, physicochemical variation, residue mobility, and thermodynamic stability) indicates that this missense variant is expected to disrupt SCN10A protein function with a positive predictive value of 80%. In summary, the available evidence is currently insufficient to determine the role of this variant in disease. Therefore, it has been classified as a Variant of Uncertain Significance.

Ambry Genetics
Classification: Uncertain significance for Cardiovascular phenotype. Last evaluated: 2025-02-20. Review status: criteria provided, single submitter. Criteria: Ambry Variant Classification Scheme 2023. Collection method: clinical testing. Allele origin: germline.
Comment: The p.A399V variant (also known as c.1196C>T), located in coding exon 9 of the SCN10A gene, results from a C to T substitution at nucleotide position 1196. The alanine at codon 399 is replaced by valine, an amino acid with similar properties. This amino acid position is highly conserved in available vertebrate species. In addition, this alteration is predicted to be deleterious by in silico analysis. Since supporting evidence is limited at this time, the clinical significance of this alteration remains unclear.

Fulgent Genetics
Classification: Uncertain significance for Episodic pain syndrome, familial, 2. Last evaluated: 2021-08-27. Review status: criteria provided, single submitter. Criteria: ACMG Guidelines, 2015. Collection method: clinical testing. Allele origin: unknown.